The following is an entry in ClinVar:

NM_001374736.1(DST):c.18976A>G (p.Arg6326Gly)

Gene: DST (dystonin; minus strand). Cytogenetic location: 6p12.1.
Variant type: single nucleotide variant.
Coding change: c.18976A>G on transcript NM_001374736.1 (MANE Select); coding-DNA position 18976, A replaced by G.
Protein change: p.Arg6326Gly; replaces arginine 6326 with glycine.
Molecular consequence: missense variant.
Genome position (GRCh38, 1-based): chr6:56,509,678, T>C on the plus strand (A>G on the coding strand, the complement: DST is on the minus strand). VCF-style: chr6-56509678-T-C. GRCh37 (hg19) VCF-style: chr6-56374476-T-C.
Other names: c.12619A>G, p.Arg4207Gly (NM_001144769.5); c.12205A>G, p.Arg4069Gly (NM_001144770.2); c.18976A>G, p.Arg6326Gly (NM_001374722.1); c.18016A>G, p.Arg6006Gly (NM_001374729.1); c.11758A>G, p.Arg3920Gly (NM_001374730.1); c.19003A>G, p.Arg6335Gly (NM_001374734.1); c.12085A>G, p.Arg4029Gly (NM_001386100.1, NM_183380.4); c.11107A>G, p.Arg3703Gly (NM_015548.5); short protein forms R3920G, R4029G, R4069G, R6326G, R6006G, R4207G, R3703G, R6335G.
Identifiers: ClinVar variation 1995402 (VCV001995402.4), dbSNP rs2534336639, ClinGen allele CA364523915.
Genomic context (GRCh38, chr6:56,509,678, plus strand): 5'-GTTTCCCTATTCCAAAAGTATTACCTTTGGCAGATATGTCTTTATCAGTCCCCCCAGATC[T>C]AGCAATCATTTCCTCTCCCCTCTGTTTAAGAGTTTCATACAACGGCTGTAGCTTTTCCAT-3'
Protein context (NP_001361665.1, residues 6316-6336): LKQRGEEMIA[Arg6326Gly]SGGTDKDISA

ClinVar aggregate classification (germline): Uncertain significance (1 of 4 stars; one submission).

Conditions:
Epidermolysis bullosa simplex 3, localized or generalized intermediate, with BP230 deficiency (EBS3). Also called: Epidermolysis bullosa simplex, autosomal recessive 2; Epidermolysis bullosa simplex due to BP230 deficiency. Identifiers: Orphanet 412181, MedGen C3809470, MONDO:0014180, OMIM 615425.
Hereditary sensory and autonomic neuropathy type 6. Also called: Neuropathy, hereditary sensory and autonomic, type VI; HSAN VI. Identifiers: Orphanet 314381, MedGen C3539003, MONDO:0013839, OMIM 614653.

Allele frequency attached by ClinVar (database versions not stated): gnomAD exomes below 0.00001.
gnomAD v4.1: 1 of 1,613,684 alleles (0.000062%); highest among the groups gnomAD compares: South Asian, 0.0011%; no homozygotes.

Submission:

Labcorp Genetics (formerly Invitae), Labcorp
Classification: Uncertain significance for Epidermolysis bullosa simplex 3, localized or generalized intermediate, with BP230 deficiency; Hereditary sensory and autonomic neuropathy type 6. Last evaluated: 2022-05-17. Review status: criteria provided, single submitter. Criteria: Invitae Variant Classification Sherloc (09022015). Collection method: clinical testing. Allele origin: germline.
Comment: This sequence change replaces arginine, which is basic and polar, with glycine, which is neutral and non-polar, at codon 3703 of the DST protein (p.Arg3703Gly). This variant is not present in population databases (gnomAD no frequency). This variant has not been reported in the literature in individuals affected with DST-related conditions. Experimental studies and prediction algorithms are not available or were not evaluated, and the functional significance of this variant is currently unknown. In summary, the available evidence is currently insufficient to determine the role of this variant in disease. Therefore, it has been classified as a Variant of Uncertain Significance. The DST gene has multiple clinically relevant transcripts. This variant occurs in alternate transcript NM_015548.4, and corresponds to NM_001723.5:c.*105839A>G in the primary transcript.